The following is an entry in ClinVar:

NM_013390.3(CEMIP2):c.747C>A (p.Ser249=)

Gene: CEMIP2 (cell migration inducing hyaluronidase 2; minus strand). Cytogenetic location: 9q21.13.
Variant type: single nucleotide variant.
Coding change: c.747C>A on transcript NM_013390.3 (MANE Select); coding-DNA position 747, C replaced by A.
Protein change: p.Ser249=; no amino-acid change (serine 249 retained).
Molecular consequence: synonymous variant. On other transcripts: 5 prime UTR variant (1).
Genome position (GRCh38, 1-based): chr9:71,745,305, G>T on the plus strand (C>A on the coding strand, the complement: CEMIP2 is on the minus strand). VCF-style: chr9-71745305-G-T. GRCh37 (hg19) VCF-style: chr9-74360221-G-T.
Other names: c.747C>A, p.Ser249= (NM_001135820.2); c.-1134C>A (NM_001349784.2).
Identifiers: ClinVar variation 3234491 (VCV003234491.20), dbSNP rs2538133005, ClinGen allele CA465497996.
Genomic context (GRCh38, chr9:71,745,305, plus strand): 5'-CACATTGAGGCCCCGGGAAAAGTCCTTTTCAAAGGTATAGGACCCAAAGGGCAAGCCTGA[G>T]GAATTCAGGGTCCTTGCCAACAACGTCCACGATGCCTTCCGTGCCCCATGTAACTCCAGT-3'
Protein context (NP_037522.1, residues 239-259): SWTLLARTLN[Ser249=]SGLPFGSYTF

ClinVar aggregate classification (germline): Likely benign (1 of 4 stars; one submission).

Submission:

CeGaT Center for Human Genetics Tuebingen
Classification: Likely benign. Last evaluated: 2024-03-01. Review status: criteria provided, single submitter. Criteria: CeGaT Center For Human Genetics Tuebingen Variant Classification Criteria Version 2. Collection method: clinical testing. Allele origin: germline. Affected: yes. Observed: 1 variant allele.
Comment: CEMIP2: PM2:Supporting, BP4, BP7